The following is an entry in ClinVar:

ClinVar aggregate classification (germline): Likely benign (1 of 4 stars; one submission).

Submission:

CeGaT Center for Human Genetics Tuebingen
Classification: Likely benign. Last evaluated: 2023-03-01. Review status: criteria provided, single submitter. Criteria: CeGaT Center For Human Genetics Tuebingen Variant Classification Criteria Version 2. Collection method: clinical testing. Allele origin: germline. Affected: yes. Observed: 1 variant allele.
Comment: GSTT4: PM2:Supporting, BP4, BP7

NM_001358664.2(GSTT4):c.240A>G (p.Ala80=)

Gene: GSTT4 (glutathione S-transferase theta 4; minus strand). Cytogenetic location: 22q11.23.
Variant type: single nucleotide variant.
Coding change: c.240A>G on transcript NM_001358664.2 (MANE Select); coding-DNA position 240, A replaced by G.
Protein change: p.Ala80=; no amino-acid change (alanine 80 retained).
Molecular consequence: synonymous variant.
Genome position (GRCh38, 1-based): chr22:24,001,286, T>C on the plus strand (A>G on the coding strand, the complement: GSTT4 is on the minus strand). VCF-style: chr22-24001286-T-C. GRCh37 (hg19) VCF-style: chr22-24343480-T-C.
Identifiers: ClinVar variation 2652979 (VCV002652979.24), dbSNP rs2517392273, ClinGen allele CA513775077.
Genomic context (GRCh38, chr22:24,001,286, plus strand): 5'-AGCCACGAACTCATCCACACGGGCACGTGCGTGCGGGTCTGGCGGGCACCAGTGCGATGG[T>C]GCGCTGTACTTGCGGCACAGGTAGTAAAGGATGGCCGCGCTGCAGAAGGGGCCGGTCAGG-3'
Protein context (NP_001345593.1, residues 70-90): ILYYLCRKYS[Ala80=]PSHWCPPDPH